The following is an entry in ClinVar:

ClinVar aggregate classification (germline): Benign (0 of 4 stars; one submission).

Conditions:
BIRC6-related disorder. Also called: BIRC6-related condition.

Allele frequency attached by ClinVar (database versions not stated): gnomAD exomes 0.00044; ExAC 0.00137; 1000 Genomes Project 0.00379; gnomAD 0.00419; 1000 Genomes Project 30x 0.00422; ESP Exome Variant Server 0.00477; TOPMed 0.00493.
gnomAD v4.1: 1,301 of 1,613,830 alleles (0.081%); highest among the groups gnomAD compares: African/African-American, 1.5%; 7 homozygotes.

Submission:

PreventionGenetics, part of Exact Sciences
Classification: Benign for BIRC6-related condition. Last evaluated: 2019-10-28. Review status: no assertion criteria provided. Collection method: clinical testing. Allele origin: germline.
Comment: This variant is classified as benign based on ACMG/AMP sequence variant interpretation guidelines (Richards et al. 2015 PMID: 25741868, with internal and published modifications).

NM_016252.4(BIRC6):c.12192C>T (p.Thr4064=)

Gene: BIRC6 (baculoviral IAP repeat containing 6; plus strand). Cytogenetic location: 2p22.3.
Variant type: single nucleotide variant.
Coding change: c.12192C>T on transcript NM_016252.4 (MANE Select); coding-DNA position 12192, C replaced by T.
Protein change: p.Thr4064=; no amino-acid change (threonine 4064 retained).
Molecular consequence: synonymous variant.
Genome position (GRCh38, 1-based): chr2:32,531,452, C>T. VCF-style: chr2-32531452-C-T. GRCh37 (hg19) VCF-style: chr2-32756519-C-T.
Other names: c.12189C>T, p.Thr4063= (NM_001378125.1).
Identifiers: ClinVar variation 3038103 (VCV003038103.2), dbSNP rs143909151, ClinGen allele CA1605172.